The following is an entry in ClinVar:

ClinVar aggregate classification (germline): Uncertain significance. Review status: criteria provided, multiple submitters, no conflicts (2 of 4 stars). 2 submissions from 2 submitters: Uncertain significance (2). Last evaluated 2023-12-22.

Conditions:
Inborn genetic diseases. Identifiers: MedGen C0950123, MeSH D030342.

gnomAD v4.1: 21 of 1,614,176 alleles (0.0013%); highest among the groups gnomAD compares: Non-Finnish European, 0.0016%; no homozygotes.

Submissions (2):

Ambry Genetics
Classification: Uncertain significance for Inborn genetic diseases. Last evaluated: 2023-12-22. Review status: criteria provided, single submitter. Criteria: Ambry Variant Classification Scheme 2023. Collection method: clinical testing. Allele origin: germline.

Labcorp Genetics (formerly Invitae), Labcorp
Classification: Uncertain significance. Last evaluated: 2022-11-28. Review status: criteria provided, single submitter. Criteria: Invitae Variant Classification Sherloc (09022015). Collection method: clinical testing. Allele origin: germline.
Comment: This variant has not been reported in the literature in individuals affected with NARS2-related conditions. Advanced modeling of protein sequence and biophysical properties (such as structural, functional, and spatial information, amino acid conservation, physicochemical variation, residue mobility, and thermodynamic stability) performed at Invitae indicates that this missense variant is not expected to disrupt NARS2 protein function. In summary, the available evidence is currently insufficient to determine the role of this variant in disease. Therefore, it has been classified as a Variant of Uncertain Significance. This variant is not present in population databases (gnomAD no frequency). This sequence change replaces arginine, which is basic and polar, with cysteine, which is neutral and slightly polar, at codon 43 of the NARS2 protein (p.Arg43Cys).

NM_024678.6(NARS2):c.127C>T (p.Arg43Cys)

Gene: NARS2 (asparaginyl-tRNA synthetase 2, mitochondrial; minus strand). Cytogenetic location: 11q14.1.
Variant type: single nucleotide variant.
Coding change: c.127C>T on transcript NM_024678.6 (MANE Select); coding-DNA position 127, C replaced by T.
Protein change: p.Arg43Cys; replaces arginine 43 with cysteine.
Molecular consequence: missense variant. On other transcripts: intron variant (1).
Genome position (GRCh38, 1-based): chr11:78,574,362, G>A on the plus strand (C>T on the coding strand, the complement: NARS2 is on the minus strand). VCF-style: chr11-78574362-G-A. GRCh37 (hg19) VCF-style: chr11-78285407-G-A.
Other names: c.127C>T (NM_024678.5); c.-541+467C>T (NM_001243251.2); short protein forms R43C.
Identifiers: ClinVar variation 1959545 (VCV001959545.6), dbSNP rs2497196191, ClinGen allele CA382180649.